The following is an entry in ClinVar:

NM_001365951.3(KIF1B):c.996C>A (p.Ser332Arg)

Gene: KIF1B (kinesin family member 1B; plus strand). Cytogenetic location: 1p36.22.
Variant type: single nucleotide variant.
Coding change: c.996C>A on transcript NM_001365951.3 (MANE Select); coding-DNA position 996, C replaced by A.
Protein change: p.Ser332Arg; replaces serine 332 with arginine.
Molecular consequence: missense variant.
Genome position (GRCh38, 1-based): chr1:10,276,358, C>A. VCF-style: chr1-10276358-C-A. GRCh37 (hg19) VCF-style: chr1-10336416-C-A.
Other names: c.996C>A, p.Ser332Arg (NM_001365952.1); c.978C>A, p.Ser326Arg (NM_001365953.1, NM_015074.3, NM_183416.4); short protein forms S326R, S332R.
Identifiers: ClinVar variation 1768190 (VCV001768190.2), dbSNP rs1156412684, ClinGen allele CA338332933.

ClinVar aggregate classification (germline): Uncertain significance (1 of 4 stars; one submission).

Submission:

Ambry Genetics
Classification: Uncertain significance. Last evaluated: 2022-04-05. Review status: criteria provided, single submitter. Criteria: Ambry Variant Classification Scheme 2023. Collection method: clinical testing. Allele origin: germline.
Comment: The p.S326R variant (also known as c.978C>A), located in coding exon 10 of the KIF1B gene, results from a C to A substitution at nucleotide position 978. The serine at codon 326 is replaced by arginine, an amino acid with dissimilar properties. This amino acid position is conserved. In addition, this alteration is predicted to be deleterious by in silico analysis. Since supporting evidence is limited at this time, the clinical significance of this alteration remains unclear.